The following is an entry in ClinVar:

ClinVar aggregate classification (germline): Pathogenic/Likely pathogenic. Review status: criteria provided, multiple submitters, no conflicts (2 of 4 stars). 4 submissions from 4 submitters: Pathogenic (3); Likely pathogenic (1). Last evaluated 2024-02-05.

Conditions:
Hereditary cancer-predisposing syndrome. Also called: Tumor predisposition; Hereditary neoplastic syndrome; Neoplastic Syndromes, Hereditary; Hereditary Cancer Syndrome. Identifiers: Orphanet 140162, MedGen C0027672, MeSH D009386, MONDO:0015356.
Familial cancer of breast. Also called: Hereditary breast cancer; BREAST CANCER, FAMILIAL; hereditary breast carcinoma. Identifiers: Orphanet 227535, MedGen C0346153, MONDO:0016419, OMIM 114480. Disease mechanism: loss of function.
Ataxia-telangiectasia syndrome (AT). Also called: Ataxia-telangiectasia, complementation group D; AT, COMPLEMENTATION GROUP C; ATAXIA-TELANGIECTASIA, COMPLEMENTATION GROUP A; ATAXIA-TELANGIECTASIA, FRESNO VARIANT; Ataxia-telangiectasia; LOUIS-BAR SYNDROME. Identifiers: Orphanet 100, MedGen C0004135, MONDO:0008840, OMIM 208900.

Submissions (4):

Myriad Genetics, Inc.
Classification: Pathogenic for Familial cancer of breast. Last evaluated: 2024-02-05. Review status: criteria provided, single submitter. Criteria: Myriad Autosomal Dominant, Autosomal Recessive and X-Linked Classification Criteria (2023). Collection method: clinical testing. Allele origin: unknown.
Comment: This variant is considered pathogenic. This variant creates a termination codon and is predicted to result in premature protein truncation.

Labcorp Genetics (formerly Invitae), Labcorp
Classification: Pathogenic for Ataxia-telangiectasia syndrome. Last evaluated: 2023-07-26. Review status: criteria provided, single submitter. Criteria: Invitae Variant Classification Sherloc (09022015). Collection method: clinical testing. Allele origin: germline.
Comment: This variant has not been reported in the literature in individuals affected with ATM-related conditions. For these reasons, this variant has been classified as Pathogenic. ClinVar contains an entry for this variant (Variation ID: 631264). This variant is not present in population databases (gnomAD no frequency). This sequence change creates a premature translational stop signal (p.Glu2895*) in the ATM gene. It is expected to result in an absent or disrupted protein product. Loss-of-function variants in ATM are known to be pathogenic (PMID: 23807571, 25614872).

Baylor Genetics
Classification: Likely pathogenic for Familial cancer of breast. Last evaluated: 2023-01-07. Review status: criteria provided, single submitter. Criteria: ACMG Guidelines, 2015. Collection method: clinical testing. Allele origin: unknown.

Color Diagnostics, LLC DBA Color Health
Classification: Pathogenic for Hereditary cancer-predisposing syndrome. Last evaluated: 2020-02-27. Review status: criteria provided, single submitter. Criteria: ACMG Guidelines, 2015. Collection method: clinical testing. Allele origin: germline.
Comment: This variant inserts 1 nucleotide in exon 60 of the ATM gene, creating a premature translation stop signal. This variant is expected to result in an absent or non-functional protein product. To our knowledge, this variant has not been reported in individuals affected with hereditary cancer in the literature. This variant has not been identified in the general population by the Genome Aggregation Database (gnomAD). Loss of ATM function is a known mechanism of disease. Based on the available evidence, this variant is classified as Pathogenic.

Literature cited by the submitters: PubMed 23807571 (cited by Labcorp Genetics (formerly Invitae), Labcorp); PubMed 25614872 (cited by Labcorp Genetics (formerly Invitae), Labcorp).

NM_000051.4(ATM):c.8682dup (p.Glu2895Ter)

Genes: ATM (ATM serine/threonine kinase; plus strand), C11orf65 (chromosome 11 open reading frame 65; minus strand). Cytogenetic location: 11q22.3.
Variant type: Duplication.
Coding change: c.8682dup on transcript NM_000051.4 (MANE Select); coding-DNA position 8682, one base duplicated (T; older notation c.8682dupT).
Protein change: p.Glu2895Ter; replaces glutamic acid 2895 with a stop codon.
Molecular consequence: nonsense. On other transcripts: intron variant (2).
Genome position (GRCh38, 1-based): chr11:108,353,776, T duplicated; the last of 4 consecutive T bases (chr11:108,353,773-108,353,776); duplicating any one gives the same sequence. VCF-style (leftmost placement, unchanged base first): chr11-108353772-C-CT. GRCh37 (hg19) VCF-style: chr11-108224499-C-CT.
Other names: c.8682dup, p.Glu2895Ter (NM_001351834.2); c.640+32147dup (NM_001330368.2); c.695-18481dup (NM_001351110.2); short protein forms E2895*.
Identifiers: ClinVar variation 631264 (VCV000631264.11), dbSNP rs1565579084, ClinGen allele CA913188432.